The following is an entry in ClinVar:

ClinVar aggregate classification (germline): Uncertain significance (1 of 4 stars; one submission).

Conditions:
Pheochromocytoma. Also called: MAX-Related Hereditary Paraganglioma-Pheochromocytoma Syndrome. Identifiers: Orphanet 29072, MedGen C0031511, MONDO:0008233, OMIM 171300, HP:0002666.

Submission:

Mendelics
Classification: Uncertain significance for Pheochromocytoma. Last evaluated: 2026-03-05. Review status: criteria provided, single submitter. Criteria: ACMG Guidelines, 2015. Collection method: clinical testing. Allele origin: unknown.
Comment: The available evidence is insufficient to conclusively determine the role of this variant. Therefore, it is classified as a Variant of Uncertain Significance.

NM_001365951.3(KIF1B):c.1434G>C (p.Lys478Asn)

Gene: KIF1B (kinesin family member 1B; plus strand). Cytogenetic location: 1p36.22.
Variant type: single nucleotide variant.
Coding change: c.1434G>C on transcript NM_001365951.3 (MANE Select); coding-DNA position 1434, G replaced by C.
Protein change: p.Lys478Asn; replaces lysine 478 with asparagine.
Molecular consequence: missense variant.
Genome position (GRCh38, 1-based): chr1:10,282,533, G>C. VCF-style: chr1-10282533-G-C. GRCh37 (hg19) VCF-style: chr1-10342591-G-C.
Other names: c.1434G>C, p.Lys478Asn (NM_001365952.1); c.1296G>C, p.Lys432Asn (NM_001365953.1, NM_015074.3, NM_183416.4); short protein forms K432N, K478N.
Identifiers: ClinVar variation 4813527 (VCV004813527.1).